The following is an entry in ClinVar:

NM_000836.4(GRIN2D):c.2410G>A (p.Asp804Asn)

Gene: GRIN2D (glutamate ionotropic receptor NMDA type subunit 2D; plus strand). Cytogenetic location: 19q13.33.
Variant type: single nucleotide variant.
Coding change: c.2410G>A on transcript NM_000836.4 (MANE Select); coding-DNA position 2410, G replaced by A.
Protein change: p.Asp804Asn; replaces aspartic acid 804 with asparagine.
Molecular consequence: missense variant.
Genome position (GRCh38, 1-based): chr19:48,441,926, G>A. VCF-style: chr19-48441926-G-A. GRCh37 (hg19) VCF-style: chr19-48945183-G-A.
Other names: short protein forms D804N.
Identifiers: ClinVar variation 2007137 (VCV002007137.4), dbSNP rs1971298007, ClinGen allele CA406669930.

ClinVar aggregate classification (germline): Uncertain significance (1 of 4 stars; one submission).

Allele frequency attached by ClinVar (database versions not stated): gnomAD exomes below 0.00001.
gnomAD v4.1: 1 of 1,610,020 alleles (0.000062%); highest among the groups gnomAD compares: Non-Finnish European, 0.000085%; no homozygotes.

Submission:

Labcorp Genetics (formerly Invitae), Labcorp
Classification: Uncertain significance. Last evaluated: 2024-05-09. Review status: criteria provided, single submitter. Criteria: Invitae Variant Classification Sherloc (09022015). Collection method: clinical testing. Allele origin: germline.
Comment: This sequence change replaces aspartic acid, which is acidic and polar, with asparagine, which is neutral and polar, at codon 804 of the GRIN2D protein (p.Asp804Asn). This variant is not present in population databases (gnomAD no frequency). This variant has not been reported in the literature in individuals affected with GRIN2D-related conditions. ClinVar contains an entry for this variant (Variation ID: 2007137). Advanced modeling of protein sequence and biophysical properties (such as structural, functional, and spatial information, amino acid conservation, physicochemical variation, residue mobility, and thermodynamic stability) performed at Invitae indicates that this missense variant is not expected to disrupt GRIN2D protein function with a negative predictive value of 80%. In summary, the available evidence is currently insufficient to determine the role of this variant in disease. Therefore, it has been classified as a Variant of Uncertain Significance.